The following is an entry in ClinVar:

ClinVar aggregate classification (germline): Uncertain significance (1 of 4 stars; one submission).

Submission:

GeneDx
Classification: Uncertain significance. Last evaluated: 2026-10-05. Review status: criteria provided, single submitter. Criteria: GeneDx Variant Classification Process June 2021. Collection method: clinical testing. Allele origin: germline.
Comment: Not observed at significant frequency in large population cohorts (gnomAD); In silico analysis supports that this missense variant has a deleterious effect on protein structure/function; Has not been previously published as pathogenic or benign to our knowledge

NM_001170535.3(ATAD3A):c.617T>A (p.Ile206Asn)

Gene: ATAD3A (ATPase family AAA domain containing 3A; plus strand). Cytogenetic location: 1p36.33.
Variant type: single nucleotide variant.
Coding change: c.617T>A on transcript NM_001170535.3 (MANE Select); coding-DNA position 617, T replaced by A.
Protein change: p.Ile206Asn; replaces isoleucine 206 with asparagine.
Molecular consequence: missense variant.
Genome position (GRCh38, 1-based): chr1:1,520,243, T>A. VCF-style: chr1-1520243-T-A. GRCh37 (hg19) VCF-style: chr1-1455623-T-A.
Other names: c.380T>A, p.Ile127Asn (NM_001170536.3); c.761T>A, p.Ile254Asn (NM_018188.5); short protein forms I127N, I206N, I254N.
Identifiers: ClinVar variation 4086293 (VCV004086293.2).